The following is an entry in ClinVar:

ClinVar aggregate classification (germline): Likely benign (0 of 4 stars; one submission).

Conditions:
KCNT1-related disorder. Also called: KCNT1-related condition.

gnomAD v4.1: 6 of 1,580,744 alleles (0.00038%); highest among the groups gnomAD compares: Non-Finnish European, 0.00043%; no homozygotes.

Submission:

PreventionGenetics, part of Exact Sciences
Classification: Likely benign for KCNT1-related condition. Last evaluated: 2020-02-14. Review status: no assertion criteria provided. Collection method: clinical testing. Allele origin: germline.
Comment: This variant is classified as likely benign based on ACMG/AMP sequence variant interpretation guidelines (Richards et al. 2015 PMID: 25741868, with internal and published modifications).

NM_020822.3(KCNT1):c.3502+8C>T

Gene: KCNT1 (potassium sodium-activated channel subfamily T member 1; plus strand). Cytogenetic location: 9q34.3.
Variant type: single nucleotide variant.
Coding change: c.3502+8C>T on transcript NM_020822.3 (MANE Select); 8 bases into the intron after coding-DNA position 3502, C replaced by T.
Molecular consequence: intron variant.
Genome position (GRCh38, 1-based): chr9:135,786,529, C>T. VCF-style: chr9-135786529-C-T. GRCh37 (hg19) VCF-style: chr9-138678375-C-T.
Other names: c.3367+8C>T (NM_001272003.2).
Identifiers: ClinVar variation 3051313 (VCV003051313.2), dbSNP rs1168184548, ClinGen allele CA591143804.
Genomic context (GRCh38, chr9:135,786,529, plus strand): 5'-CGAGCTGGTGAAGAACCGCATGAAGCACCTGGGGCTGCCCACCACCGGCTACGGTAAGGG[C>T]ACACGGCGCGGGTGGGGGCCGGACGGACGGACTGGGCCAGGGTCGGGCCACAGCCAAGAA-3'